The following is an entry in ClinVar:

ClinVar aggregate classification (germline): Uncertain significance (1 of 4 stars; one submission).

Allele frequency attached by ClinVar (database versions not stated): gnomAD exomes 0.00001.
gnomAD v4.1: 3 of 1,612,998 alleles (0.00019%); highest among the groups gnomAD compares: Admixed American, 0.005%; no homozygotes.

Submission:

Labcorp Genetics (formerly Invitae), Labcorp
Classification: Uncertain significance. Last evaluated: 2022-04-09. Review status: criteria provided, single submitter. Criteria: Invitae Variant Classification Sherloc (09022015). Collection method: clinical testing. Allele origin: germline.
Comment: This sequence change replaces valine, which is neutral and non-polar, with leucine, which is neutral and non-polar, at codon 137 of the PCDH15 protein (p.Val137Leu). This variant is present in population databases (no rsID available, gnomAD 0.006%). This variant has not been reported in the literature in individuals affected with PCDH15-related conditions. Algorithms developed to predict the effect of missense changes on protein structure and function are either unavailable or do not agree on the potential impact of this missense change (SIFT: "Deleterious"; PolyPhen-2: "Probably Damaging"; Align-GVGD: "Class C0"). In summary, the available evidence is currently insufficient to determine the role of this variant in disease. Therefore, it has been classified as a Variant of Uncertain Significance.

NM_001384140.1(PCDH15):c.409G>T (p.Val137Leu)

Gene: PCDH15 (protocadherin related 15; minus strand). Cytogenetic location: 10q21.1.
Variant type: single nucleotide variant.
Coding change: c.409G>T on transcript NM_001384140.1 (MANE Select); coding-DNA position 409, G replaced by T.
Protein change: p.Val137Leu; replaces valine 137 with leucine.
Molecular consequence: missense variant.
Genome position (GRCh38, 1-based): chr10:54,369,185, C>A on the plus strand (G>T on the coding strand, the complement: PCDH15 is on the minus strand). VCF-style: chr10-54369185-C-A. GRCh37 (hg19) VCF-style: chr10-56128945-C-A.
Other names: c.424G>T, p.Val142Leu (NM_001142763.2, NM_001142769.4, NM_001142771.2); c.409G>T, p.Val137Leu (NM_001142764.2, NM_001142765.2, NM_001142766.2 and 8 more transcripts); c.343G>T, p.Val115Leu (NM_001142768.2, NM_001142773.2, NM_001354404.2); short protein forms V115L, V142L, V137L.
Identifiers: ClinVar variation 1902363 (VCV001902363.2), dbSNP rs1363192601, ClinGen allele CA376542205.